The following is an entry in ClinVar:

NM_003482.4(KMT2D):c.15077C>A (p.Pro5026Gln)

Gene: KMT2D (lysine methyltransferase 2D; minus strand). Cytogenetic location: 12q13.12.
Variant type: single nucleotide variant.
Coding change: c.15077C>A on transcript NM_003482.4 (MANE Select); coding-DNA position 15077, C replaced by A.
Protein change: p.Pro5026Gln; replaces proline 5026 with glutamine.
Molecular consequence: missense variant.
Genome position (GRCh38, 1-based): chr12:49,026,889, G>T on the plus strand (C>A on the coding strand, the complement: KMT2D is on the minus strand). VCF-style: chr12-49026889-G-T. GRCh37 (hg19) VCF-style: chr12-49420672-G-T.
Other names: short protein forms P5026Q.
Identifiers: ClinVar variation 3034104 (VCV003034104.2), dbSNP rs957154857, ClinGen allele CA384690217.

ClinVar aggregate classification (germline): Uncertain significance (0 of 4 stars; one submission).

Conditions:
KMT2D-related disorder. Also called: KMT2D-Related Disorders.

Submission:

PreventionGenetics, part of Exact Sciences
Classification: Uncertain significance for KMT2D-related condition. Last evaluated: 2023-11-13. Review status: no assertion criteria provided. Collection method: clinical testing. Allele origin: germline.
Comment: The KMT2D c.15077C>A variant is predicted to result in the amino acid substitution p.Pro5026Gln. To our knowledge, this variant has not been reported in the literature or in a large population database, indicating this variant is rare. At this time, the clinical significance of this variant is uncertain due to the absence of conclusive functional and genetic evidence.